The following is an entry in ClinVar:

ClinVar aggregate classification (germline): Conflicting classifications of pathogenicity. Review status: criteria provided, conflicting classifications (1 of 4 stars). 5 submissions from 5 submitters: Uncertain significance (1); Likely benign (4). Last evaluated 2024-02-22.

Conditions:
Hereditary cancer-predisposing syndrome. Also called: Neoplastic Syndromes, Hereditary; Hereditary Cancer Syndrome; Hereditary neoplastic syndrome; Tumor predisposition. Identifiers: Orphanet 140162, MedGen C0027672, MeSH D009386, MONDO:0015356.
Hereditary breast ovarian cancer syndrome. Also called: Hereditary breast and ovarian cancer syndrome (HBOC); Hereditary breast and ovarian cancer syndrome; Breast and ovarian cancer; Hereditary breast and/or ovarian cancer syndrome; Hereditary breast and ovarian cancer; BRCA1- and BRCA2-Associated Hereditary Breast and Ovarian Cancer. Identifiers: Orphanet 145, MedGen C0677776, MeSH D061325, MONDO:0003582. Disease mechanism: loss of function.
BRCA1-related cancer predisposition. Identifiers: MedGen CN377757, MONDO:0700268.

Allele frequency attached by ClinVar (database versions not stated): gnomAD exomes 0.00001.
gnomAD v4.1: 9 of 1,613,896 alleles (0.00056%); highest among the groups gnomAD compares: Non-Finnish European, 0.00076%; no homozygotes.

Submissions (5):

All of Us Research Program, National Institutes of Health
Classification: Likely benign for BRCA1-related cancer predisposition. Last evaluated: 2024-02-22. Review status: criteria provided, single submitter. Criteria: ACMG Guidelines, 2015. Collection method: clinical testing. Allele origin: germline. Inheritance: Autosomal dominant inheritance. Observed: 1 variant allele, 1 heterozygote.
Comment: This study involves interpretation of variants in research participants for the purpose of population health screening. Participant phenotype was not available at the time of variant classification. Additional details can be found in publication PMID: 35346344, PMCID: PMC8962531

Labcorp Genetics (formerly Invitae), Labcorp
Classification: Likely benign for Hereditary breast ovarian cancer syndrome. Last evaluated: 2022-11-22. Review status: criteria provided, single submitter. Criteria: Invitae Variant Classification Sherloc (09022015). Collection method: clinical testing. Allele origin: germline.

Ambry Genetics
Classification: Likely benign for Hereditary cancer-predisposing syndrome. Last evaluated: 2021-08-09. Review status: criteria provided, single submitter. Criteria: Ambry Variant Classification Scheme 2023. Collection method: clinical testing. Allele origin: germline.

GeneDx
Classification: Uncertain significance. Last evaluated: 2021-06-23. Review status: criteria provided, single submitter. Criteria: GeneDx Variant Classification Process June 2021. Collection method: clinical testing. Allele origin: germline. Affected: yes.
Comment: Has not been previously published as pathogenic or benign to our knowledge; Not observed at significant frequency in large population cohorts (Lek 2016); In silico analysis supports that this variant does not alter splicing; Also known as 3248T>C; This variant is associated with the following publications: (PMID: 27535533)

Color Diagnostics, LLC DBA Color Health
Classification: Likely benign for Hereditary cancer-predisposing syndrome. Last evaluated: 2018-12-03. Review status: criteria provided, single submitter. Criteria: ACMG Guidelines, 2015. Collection method: clinical testing. Allele origin: germline.

NM_007294.4(BRCA1):c.3129T>C (p.Asn1043=)

Gene: BRCA1 (BRCA1 DNA repair associated; minus strand). Cytogenetic location: 17q21.31.
Variant type: single nucleotide variant.
Coding change: c.3129T>C on transcript NM_007294.4 (MANE Select); coding-DNA position 3129, T replaced by C.
Protein change: p.Asn1043=; no amino-acid change (asparagine 1043 retained).
Molecular consequence: synonymous variant. On other transcripts: intron variant (137).
Genome position (GRCh38, 1-based): chr17:43,092,402, A>G on the plus strand (T>C on the coding strand, the complement: BRCA1 is on the minus strand). VCF-style: chr17-43092402-A-G. GRCh37 (hg19) VCF-style: chr17-41244419-A-G.
Other names: c.575-1370T>C (NM_001408491.1, NM_001408493.1, NM_001408490.1); c.461-1370T>C (NM_001408506.1, NM_001408507.1); c.578-1370T>C (NM_001408480.1, NM_001408481.1, NM_001408483.1 and 9 more transcripts); c.779-1370T>C (NM_001408408.1); c.662-1370T>C (NM_001408446.1, NM_001408435.1, NM_001408447.1 and 6 more transcripts); c.3003T>C, p.Asn1001= (NM_001407673.1, NM_001407670.1, NM_001407671.1 and 11 more transcripts); c.3006T>C, p.Asn1002= (NM_001407669.1, NM_001407668.1, NM_001407648.1 and 19 more transcripts); c.785-1370T>C (NM_001408401.1, NM_001408396.1, NM_001407985.1 and 13 more transcripts); and 41 more.
Identifiers: ClinVar variation 462604 (VCV000462604.17), dbSNP rs1555588339, ClinGen allele CA500232259.